The following is an entry in ClinVar:

ClinVar aggregate classification (germline): Likely benign. Review status: criteria provided, single submitter (1 of 4 stars). 2 submissions from 2 submitters: Likely benign (1). 1 of the submissions does not count toward it. Last evaluated 2024-09-21.

Conditions:
HRAS-related disorder. Also called: HRAS-related condition.
Costello syndrome (CSTLO). Also called: FACIOCUTANEOSKELETAL SYNDROME; FCS SYNDROME; HRAS-Related Costello Syndrome. Identifiers: Orphanet 3071, MedGen C0587248, MONDO:0009026, OMIM 218040.

gnomAD v4.1: 3 of 1,609,406 alleles (0.00019%); highest among the groups gnomAD compares: East Asian, 0.0022%; no homozygotes.

Submissions (2):

Labcorp Genetics (formerly Invitae), Labcorp
Classification: Likely benign for Costello syndrome. Last evaluated: 2024-09-21. Review status: criteria provided, single submitter. Criteria: Invitae Variant Classification Sherloc (09022015). Collection method: clinical testing. Allele origin: germline.

PreventionGenetics, part of Exact Sciences
Classification: Likely benign for HRAS-related condition. Last evaluated: 2024-06-24. Review status: no assertion criteria provided. Collection method: clinical testing. Allele origin: germline. Not counted in ClinVar's aggregate classification.
Comment: This variant is classified as likely benign based on ACMG/AMP sequence variant interpretation guidelines (Richards et al. 2015 PMID: 25741868, with internal and published modifications).

NM_005343.4(HRAS):c.112-9C>G

Genes: HRAS (HRas proto-oncogene, GTPase; minus strand), LRRC56 (leucine rich repeat containing 56; plus strand). Cytogenetic location: 11p15.5.
Variant type: single nucleotide variant.
Coding change: c.112-9C>G on transcript NM_005343.4 (MANE Select); 9 bases into the intron before coding-DNA position 112, C replaced by G.
Molecular consequence: intron variant.
Genome position (GRCh38, 1-based): chr11:533,953, G>C on the plus strand (C>G on the coding strand, the complement: HRAS is on the minus strand). VCF-style: chr11-533953-G-C. GRCh37 (hg19) VCF-style: chr11-533953-G-C.
Other names: c.112-9C>G (NM_001130442.3, NM_176795.5); c.-208-9C>G (NM_001318054.2).
Identifiers: ClinVar variation 3345790 (VCV003345790.3).